The following is an entry in ClinVar:

ClinVar aggregate classification (germline): Benign/Likely benign. Review status: criteria provided, multiple submitters, no conflicts (2 of 4 stars). 6 submissions from 6 submitters: Benign (1); Likely benign (5). Last evaluated 2026-05-11.

Conditions:
Hypertrophic cardiomyopathy 14. Identifiers: MedGen C2750467, MONDO:0013197, OMIM 613251.
MYH6-related disorder. Also called: MYH6-related condition; MYH6-Related Disorders.
Cardiovascular phenotype. Identifiers: MedGen CN230736.

Allele frequency attached by ClinVar (database versions not stated): gnomAD exomes 0.00004 and 0.00008; ExAC 0.00008; ESP Exome Variant Server 0.00008; TOPMed 0.00029; gnomAD 0.00030 and 0.00032; 1000 Genomes Project 0.00040; 1000 Genomes Project 30x 0.00047.

Submissions (6):

PreventionGenetics, part of Exact Sciences
Classification: Likely benign for MYH6-related condition. Last evaluated: 2026-05-11. Review status: criteria provided, single submitter. Criteria: ACMG Guidelines, 2015. Collection method: clinical testing. Allele origin: germline.
Comment: This variant is classified as likely benign based on ACMG/AMP sequence variant interpretation guidelines (Richards et al. 2015 PMID: 25741868, with internal and published modifications).

Labcorp Genetics (formerly Invitae), Labcorp
Classification: Likely benign for Hypertrophic cardiomyopathy 14. Last evaluated: 2026-01-28. Review status: criteria provided, single submitter. Criteria: Invitae Variant Classification Sherloc (09022015). Collection method: clinical testing. Allele origin: germline.

Women's Health and Genetics/Laboratory Corporation of America, LabCorp
Classification: Benign. Last evaluated: 2025-11-28. Review status: criteria provided, single submitter. Criteria: LabCorp Variant Classification Summary - May 2015. Collection method: clinical testing. Allele origin: germline.

Blueprint Genetics
Classification: Likely benign. Last evaluated: 2024-09-02. Review status: criteria provided, single submitter. Criteria: ACMG Guidelines, 2015. Collection method: clinical testing. Allele origin: germline.

Ambry Genetics
Classification: Likely benign for Cardiovascular phenotype. Last evaluated: 2023-12-09. Review status: criteria provided, single submitter. Criteria: Ambry Variant Classification Scheme 2023. Collection method: clinical testing. Allele origin: germline.

GeneDx
Classification: Likely benign. Last evaluated: 2021-03-02. Review status: criteria provided, single submitter. Criteria: GeneDx Variant Classification Process June 2021. Collection method: clinical testing. Allele origin: germline. Affected: yes.

NM_002471.4(MYH6):c.1749C>T (p.Tyr583=)

Gene: MYH6 (myosin heavy chain 6; minus strand). Cytogenetic location: 14q11.2.
Variant type: single nucleotide variant.
Coding change: c.1749C>T on transcript NM_002471.4 (MANE Select); coding-DNA position 1749, C replaced by T.
Protein change: p.Tyr583=; no amino-acid change (tyrosine 583 retained).
Molecular consequence: synonymous variant.
Genome position (GRCh38, 1-based): chr14:23,398,870, G>A on the plus strand (C>T on the coding strand, the complement: MYH6 is on the minus strand). VCF-style: chr14-23398870-G-A. GRCh37 (hg19) VCF-style: chr14-23868079-G-A.
Identifiers: ClinVar variation 517905 (VCV000517905.16), dbSNP rs187508349, ClinGen allele CA7115720.